The following is an entry in ClinVar:

NM_001010867.4(IBA57):c.259G>A (p.Gly87Arg)

Gene: IBA57 (iron-sulfur cluster assembly factor IBA57; plus strand). Cytogenetic location: 1q42.13.
Variant type: single nucleotide variant.
Coding change: c.259G>A on transcript NM_001010867.4 (MANE Select); coding-DNA position 259, G replaced by A.
Protein change: p.Gly87Arg; replaces glycine 87 with arginine.
Molecular consequence: missense variant.
Genome position (GRCh38, 1-based): chr1:228,166,075, G>A. VCF-style: chr1-228166075-G-A. GRCh37 (hg19) VCF-style: chr1-228353776-G-A.
Other names: p.Gly87Arg; c.259G>A (NM_001010867.2); short protein forms G87R.
Identifiers: ClinVar variation 639514 (VCV000639514.7), dbSNP rs1026408197, ClinGen allele CA38736592.
Genomic context (GRCh38, chr1:228,166,075, plus strand): 5'-GCGCCCTTCCTGCTAGGGCTGCTGACCAATGAACTGCCGCTTCCGAGTCCTGCGGCCGCG[G>A]GGGCCCCGCCTGCTGCGCGCGCGGGCTACGCCCACTTCCTGAACGTGCAGGGCCGGACGC-3'
Protein context (NP_001010867.1, residues 77-97): ELPLPSPAAA[Gly87Arg]APPAARAGYA

ClinVar aggregate classification (germline): Uncertain significance. Review status: criteria provided, multiple submitters, no conflicts (2 of 4 stars). 3 submissions from 3 submitters: Uncertain significance (3). Last evaluated 2022-12-15.

Conditions:
Hereditary spastic paraplegia 74. Also called: Spastic paraplegia 74, autosomal recessive. Identifiers: Orphanet 468661, MedGen C5568837, MONDO:0014644, OMIM 616451.
Multiple mitochondrial dysfunctions syndrome 3 (MMDS3). Identifiers: Orphanet 363424, MedGen C3809165, MONDO:0014132, OMIM 615330.
Inborn genetic diseases. Identifiers: MedGen C0950123, MeSH D030342.

Allele frequency attached by ClinVar (database versions not stated): gnomAD exomes 0.00002; gnomAD 0.00007 and 0.00008; TOPMed 0.00017.
gnomAD v4.1: 60 of 1,537,322 alleles (0.0039%); highest among the groups gnomAD compares: Admixed American, 0.016%; no homozygotes.

Submissions (3):

Mayo Clinic Laboratories, Mayo Clinic
Classification: Uncertain significance. Last evaluated: 2022-12-15. Review status: criteria provided, single submitter. Criteria: ACMG Guidelines, 2015. Collection method: clinical testing. Allele origin: germline. Observed: 1 variant allele.

Labcorp Genetics (formerly Invitae), Labcorp
Classification: Uncertain significance for Multiple mitochondrial dysfunctions syndrome 3; Hereditary spastic paraplegia 74. Last evaluated: 2022-02-10. Review status: criteria provided, single submitter. Criteria: Invitae Variant Classification Sherloc (09022015). Collection method: clinical testing. Allele origin: germline.
Comment: This sequence change replaces glycine, which is neutral and non-polar, with arginine, which is basic and polar, at codon 87 of the IBA57 protein (p.Gly87Arg). This variant is present in population databases (no rsID available, gnomAD 0.008%). This variant has not been reported in the literature in individuals affected with IBA57-related conditions. ClinVar contains an entry for this variant (Variation ID: 639514). Algorithms developed to predict the effect of missense changes on protein structure and function are either unavailable or do not agree on the potential impact of this missense change (SIFT: "Deleterious"; PolyPhen-2: "Benign"; Align-GVGD: "Class C0"). In summary, the available evidence is currently insufficient to determine the role of this variant in disease. Therefore, it has been classified as a Variant of Uncertain Significance.

Ambry Genetics
Classification: Uncertain significance for Inborn genetic diseases. Last evaluated: 2021-08-02. Review status: criteria provided, single submitter. Criteria: Ambry Variant Classification Scheme 2023. Collection method: clinical testing. Allele origin: germline.